The following is an entry in ClinVar:

ClinVar aggregate classification (germline): Uncertain significance (1 of 4 stars; one submission).

Submission:

GeneDx
Classification: Uncertain significance. Last evaluated: 2026-06-29. Review status: criteria provided, single submitter. Criteria: GeneDx Variant Classification Process June 2021. Collection method: clinical testing. Allele origin: germline.
Comment: Not observed at significant frequency in large population cohorts (gnomAD); In silico analysis supports that this missense variant has a deleterious effect on protein structure/function; Has not been previously published as pathogenic or benign to our knowledge

NM_032436.4(CHAMP1):c.1055C>A (p.Pro352His)

Gene: CHAMP1 (chromosome alignment maintaining phosphoprotein 1; plus strand). Cytogenetic location: 13q34.
Variant type: single nucleotide variant.
Coding change: c.1055C>A on transcript NM_032436.4 (MANE Select); coding-DNA position 1055, C replaced by A.
Protein change: p.Pro352His; replaces proline 352 with histidine.
Molecular consequence: missense variant.
Genome position (GRCh38, 1-based): chr13:114,324,897, C>A. VCF-style: chr13-114324897-C-A. GRCh37 (hg19) VCF-style: chr13-115090372-C-A.
Other names: c.1055C>A, p.Pro352His (NM_001164144.3, NM_001164145.3); short protein forms P352H.
Identifiers: ClinVar variation 4538966 (VCV004538966.2).
Genomic context (GRCh38, chr13:114,324,897, plus strand): 5'-GACCTTGGAAGCCAGCTAAACCTGCTCCATCTGTGTCTCCTGGACCTTGGAAACCAATTC[C>A]TTCTGTATCTCCTGGACCTTGGAAACCAACTCCATCTGTGTCTTCTGCATCCTGGAAATC-3'
Protein context (NP_115812.1, residues 342-362): SVSPGPWKPI[Pro352His]SVSPGPWKPT